The following is an entry in ClinVar:

NM_004187.5(KDM5C):c.1866+1G>A

Gene: KDM5C (lysine demethylase 5C; minus strand). Cytogenetic location: Xp11.22.
Variant type: single nucleotide variant.
Coding change: c.1866+1G>A on transcript NM_004187.5 (MANE Select); the canonical splice donor site of the intron after coding-DNA position 1866, G replaced by A.
Molecular consequence: splice donor variant.
Genome position (GRCh38, 1-based): chrX:53,201,853, C>T on the plus strand (G>A on the coding strand, the complement: KDM5C is on the minus strand). VCF-style: chrX-53201853-C-T. GRCh37 (hg19) VCF-style: chrX-53231035-C-T.
Other names: c.1863+1G>A (NM_001353982.2, NM_001353979.2, NM_001282622.3); c.1866+1G>A (NM_001353981.2, NM_001353984.2, NM_001353978.3); c.1665+1G>A (NM_001146702.2).
Identifiers: ClinVar variation 1067633 (VCV001067633.2), dbSNP rs2146867849, ClinGen allele CA413124143.

ClinVar aggregate classification (germline): Likely pathogenic (1 of 4 stars; one submission).

Conditions:
Spastic paraplegia. Identifiers: MedGen C0037772, HP:0001258.

Submission:

Labcorp Genetics (formerly Invitae), Labcorp
Classification: Likely pathogenic for Spastic paraplegia. Last evaluated: 2020-07-12. Review status: criteria provided, single submitter. Criteria: Invitae Variant Classification Sherloc (09022015). Collection method: clinical testing. Allele origin: germline.
Comment: This sequence change affects a donor splice site in intron 13 of the KDM5C gene. It is expected to disrupt RNA splicing and likely results in an absent or disrupted protein product. This variant is not present in population databases (ExAC no frequency). This variant has not been reported in the literature in individuals with KDM5C-related conditions. Algorithms developed to predict the effect of sequence changes on RNA splicing suggest that this variant may disrupt the consensus splice site, but this prediction has not been confirmed by published transcriptional studies. Donor and acceptor splice site variants typically lead to a loss of protein function (PMID: 16199547), and loss-of-function variants in KDM5C are known to be pathogenic (PMID: 15586325, 18697827). In summary, the currently available evidence indicates that the variant is pathogenic, but additional data are needed to prove that conclusively. Therefore, this variant has been classified as Likely Pathogenic.

Literature cited by the submitters: PubMed 16199547; PubMed 15586325; PubMed 18697827.